The following is an entry in ClinVar:

ClinVar aggregate classification (germline): Uncertain significance (1 of 4 stars; one submission).

Submission:

Greenwood Genetic Center Diagnostic Laboratories, Greenwood Genetic Center
Classification: Uncertain significance. Last evaluated: 2021-03-18. Review status: criteria provided, single submitter. Criteria: ACMG Guidelines, 2015. Collection method: clinical testing. Allele origin: germline. Affected: yes.
Comment: PP3, PM2

NM_005402.4(RALA):c.488A>T (p.Asn163Ile)

Gene: RALA (RAS like proto-oncogene A; plus strand). Cytogenetic location: 7p14.1.
Variant type: single nucleotide variant.
Coding change: c.488A>T on transcript NM_005402.4 (MANE Select); coding-DNA position 488, A replaced by T.
Protein change: p.Asn163Ile; replaces asparagine 163 with isoleucine.
Molecular consequence: missense variant.
Genome position (GRCh38, 1-based): chr7:39,696,849, A>T. VCF-style: chr7-39696849-A-T. GRCh37 (hg19) VCF-style: chr7-39736448-A-T.
Other names: short protein forms N163I.
Identifiers: ClinVar variation 1331621 (VCV001331621.4), dbSNP rs2116098993, ClinGen allele CA367306746.